The following is an entry in ClinVar:

NM_006899.5(IDH3B):c.992A>G (p.Asn331Ser)

Gene: IDH3B (isocitrate dehydrogenase (NAD(+)) 3 non-catalytic subunit beta; minus strand). Cytogenetic location: 20p13.
Variant type: single nucleotide variant.
Coding change: c.992A>G on transcript NM_006899.5 (MANE Select); coding-DNA position 992, A replaced by G.
Protein change: p.Asn331Ser; replaces asparagine 331 with serine.
Molecular consequence: missense variant. On other transcripts: non-coding transcript variant (1).
Genome position (GRCh38, 1-based): chr20:2,659,717, T>C on the plus strand (A>G on the coding strand, the complement: IDH3B is on the minus strand). VCF-style: chr20-2659717-T-C. GRCh37 (hg19) VCF-style: chr20-2640363-T-C.
Other names: c.992A>G (NM_006899.2); c.992A>G, p.Asn331Ser (NM_001258384.3, NM_001330763.2, NM_174855.4); short protein forms N331S.
Identifiers: ClinVar variation 1380440 (VCV001380440.7), dbSNP rs777364642, ClinGen allele CA9735118.

ClinVar aggregate classification (germline): Uncertain significance. Review status: criteria provided, multiple submitters, no conflicts (2 of 4 stars). 2 submissions from 2 submitters: Uncertain significance (2). Last evaluated 2023-06-26.

Allele frequency attached by ClinVar (database versions not stated): gnomAD exomes below 0.00001; TOPMed below 0.00001; ExAC 0.00001.

Submissions (2):

Ambry Genetics
Classification: Uncertain significance. Last evaluated: 2023-06-26. Review status: criteria provided, single submitter. Criteria: Ambry Variant Classification Scheme 2023. Collection method: clinical testing. Allele origin: germline.

Labcorp Genetics (formerly Invitae), Labcorp
Classification: Uncertain significance. Last evaluated: 2021-11-01. Review status: criteria provided, single submitter. Criteria: Invitae Variant Classification Sherloc (09022015). Collection method: clinical testing. Allele origin: germline.
Comment: In summary, the available evidence is currently insufficient to determine the role of this variant in disease. Therefore, it has been classified as a Variant of Uncertain Significance. Algorithms developed to predict the effect of missense changes on protein structure and function are either unavailable or do not agree on the potential impact of this missense change (SIFT: "Not Available"; PolyPhen-2: "Possibly Damaging"; Align-GVGD: "Not Available"). This variant has not been reported in the literature in individuals affected with IDH3B-related conditions. This variant is present in population databases (rs777364642, gnomAD 0.0009%). This sequence change replaces asparagine, which is neutral and polar, with serine, which is neutral and polar, at codon 331 of the IDH3B protein (p.Asn331Ser).